The following is an entry in ClinVar:

NM_006218.4(PIK3CA):c.2666+3G>C

Gene: PIK3CA (phosphatidylinositol-4,5-bisphosphate 3-kinase catalytic subunit alpha; plus strand). Cytogenetic location: 3q26.32.
Variant type: single nucleotide variant.
Coding change: c.2666+3G>C on transcript NM_006218.4 (MANE Select); 3 bases into the intron after coding-DNA position 2666, G replaced by C.
Molecular consequence: intron variant.
Genome position (GRCh38, 1-based): chr3:179,229,445, G>C. VCF-style: chr3-179229445-G-C. GRCh37 (hg19) VCF-style: chr3-178947233-G-C.
Identifiers: ClinVar variation 3361228 (VCV003361228.1).

ClinVar aggregate classification (germline): Uncertain significance (1 of 4 stars; one submission).

Submission:

GeneDx
Classification: Uncertain significance. Last evaluated: 2023-07-21. Review status: criteria provided, single submitter. Criteria: GeneDx Variant Classification Process June 2021. Collection method: clinical testing. Allele origin: germline. Affected: yes.
Comment: Not observed at significant frequency in large population cohorts (gnomAD); Has not been previously published as pathogenic or benign to our knowledge; In silico analysis suggests this variant may impact gene splicing. In the absence of RNA/functional studies, the actual effect of this sequence change is unknown.